The following is an entry in ClinVar:

NM_005915.6(MCM6):c.605A>G (p.Asp202Gly)

Gene: MCM6 (minichromosome maintenance complex component 6; minus strand). Cytogenetic location: 2q21.3.
Variant type: single nucleotide variant.
Coding change: c.605A>G on transcript NM_005915.6 (MANE Select); coding-DNA position 605, A replaced by G.
Protein change: p.Asp202Gly; replaces aspartic acid 202 with glycine.
Molecular consequence: missense variant.
Genome position (GRCh38, 1-based): chr2:135,868,621, T>C on the plus strand (A>G on the coding strand, the complement: MCM6 is on the minus strand). VCF-style: chr2-135868621-T-C. GRCh37 (hg19) VCF-style: chr2-136626191-T-C.
Other names: NM_005915.6:c.605A>G; short protein forms D202G.
Identifiers: ClinVar variation 3252053 (VCV003252053.1), dbSNP rs2467301834.

ClinVar aggregate classification (germline): Uncertain significance (1 of 4 stars; one submission).

Conditions:
Neurodevelopmental disorder. Identifiers: MedGen C1535926, MeSH D065886, MONDO:0700092.

Submission:

Broad Center for Mendelian Genomics, Broad Institute of MIT and Harvard
Classification: Uncertain significance for Neurodevelopmental disorder. Last evaluated: 2024-06-19. Review status: criteria provided, single submitter. Criteria: ACMG Guidelines, 2015. Collection method: curation. Allele origin: germline. Inheritance: Autosomal dominant inheritance. Study: GREGoR Consortium.
Comment: While this gene is still lacking sufficient evidence to establish a gene-disease relationship, we believe this is a possible novel gene candidate for neurodevelopmental disorders. Given the limited information about this gene-disease relationship, the significance of the p.Asp202Gly variant is uncertain. If you have any additional information about functional evidence or other individuals with this phenotype that also have variants in MCM6 we encourage you to reach out to us.